The following is an entry in ClinVar:

ClinVar aggregate classification (germline): Uncertain significance (1 of 4 stars; one submission).

Conditions:
Brugada syndrome 8 (BRGDA8). Identifiers: Orphanet 130, MedGen C2751083, MONDO:0013148, OMIM 613123.

Submission:

Labcorp Genetics (formerly Invitae), Labcorp
Classification: Uncertain significance for Brugada syndrome 8. Last evaluated: 2023-12-25. Review status: criteria provided, single submitter. Criteria: Invitae Variant Classification Sherloc (09022015). Collection method: clinical testing. Allele origin: germline.
Comment: This sequence change replaces proline, which is neutral and non-polar, with alanine, which is neutral and non-polar, at codon 1184 of the HCN4 protein (p.Pro1184Ala). This variant is not present in population databases (gnomAD no frequency). This variant has not been reported in the literature in individuals affected with HCN4-related conditions. Advanced modeling of protein sequence and biophysical properties (such as structural, functional, and spatial information, amino acid conservation, physicochemical variation, residue mobility, and thermodynamic stability) performed at Invitae indicates that this missense variant is not expected to disrupt HCN4 protein function with a negative predictive value of 95%. In summary, the available evidence is currently insufficient to determine the role of this variant in disease. Therefore, it has been classified as a Variant of Uncertain Significance.

NM_005477.3(HCN4):c.3550C>G (p.Pro1184Ala)

Gene: HCN4 (hyperpolarization activated cyclic nucleotide gated potassium channel 4; minus strand). Cytogenetic location: 15q24.1.
Variant type: single nucleotide variant.
Coding change: c.3550C>G on transcript NM_005477.3 (MANE Select); coding-DNA position 3550, C replaced by G.
Protein change: p.Pro1184Ala; replaces proline 1184 with alanine.
Molecular consequence: missense variant.
Genome position (GRCh38, 1-based): chr15:73,322,543, G>C on the plus strand (C>G on the coding strand, the complement: HCN4 is on the minus strand). VCF-style: chr15-73322543-G-C. GRCh37 (hg19) VCF-style: chr15-73614884-G-C.
Other names: short protein forms P1184A.
Identifiers: ClinVar variation 2705462 (VCV002705462.3), dbSNP rs574545915, ClinGen allele CA393084895.